The following is an entry in ClinVar:

ClinVar aggregate classification (germline): Uncertain significance. Review status: criteria provided, multiple submitters, no conflicts (2 of 4 stars). 3 submissions from 3 submitters: Uncertain significance (3). Last evaluated 2025-06-12.

Conditions:
Imerslund-Grasbeck syndrome type 1 (IGS1). Also called: Megaloblastic anemia 1, Finnish type; MEGALOBLASTIC ANEMIA, 1; Imerslund-Gräsbeck syndrome 1. Identifiers: MedGen C4016819, MONDO:0100156, OMIM 261100.
Proteinuria, chronic benign. Identifiers: MedGen C5394384, MONDO:0030042, OMIM 618884.
Imerslund-Grasbeck syndrome. Also called: Megaloblastic anemia due to inborn errors of metabolism; Imerslund-Gräsbeck syndrome; ENTEROCYTE COBALAMIN MALABSORPTION; ENTEROCYTE INTRINSIC FACTOR RECEPTOR, DEFECT OF; PERNICIOUS ANEMIA, JUVENILE, DUE TO SELECTIVE INTESTINAL MALABSORPTION OF VITAMIN B12, WITH PROTEINURIA. Identifiers: Orphanet 35858, MedGen C4551825, MONDO:0009853.

Allele frequency attached by ClinVar (database versions not stated): TOPMed 0.00011; gnomAD exomes 0.00004 and 0.00014; gnomAD 0.00003; ExAC 0.00020.
gnomAD v4.1: 64 of 1,613,632 alleles (0.004%); highest among the groups gnomAD compares: Admixed American, 0.053%; no homozygotes.

Submissions (3):

Labcorp Genetics (formerly Invitae), Labcorp
Classification: Uncertain significance for Imerslund-Grasbeck syndrome. Last evaluated: 2025-06-12. Review status: criteria provided, single submitter. Criteria: Invitae Variant Classification Sherloc (09022015). Collection method: clinical testing. Allele origin: germline.
Comment: This sequence change replaces glycine, which is neutral and non-polar, with serine, which is neutral and polar, at codon 2093 of the CUBN protein (p.Gly2093Ser). This variant is present in population databases (rs759351780, gnomAD 0.06%). This variant has not been reported in the literature in individuals affected with CUBN-related conditions. ClinVar contains an entry for this variant (Variation ID: 299440). Invitae Evidence Modeling of protein sequence and biophysical properties (such as structural, functional, and spatial information, amino acid conservation, physicochemical variation, residue mobility, and thermodynamic stability) indicates that this missense variant is expected to disrupt CUBN protein function with a positive predictive value of 80%. In summary, the available evidence is currently insufficient to determine the role of this variant in disease. Therefore, it has been classified as a Variant of Uncertain Significance.

Fulgent Genetics
Classification: Uncertain significance for Imerslund-Grasbeck syndrome type 1; Proteinuria, chronic benign. Last evaluated: 2022-04-22. Review status: criteria provided, single submitter. Criteria: ACMG Guidelines, 2015. Collection method: clinical testing. Allele origin: unknown.

Illumina Laboratory Services, Illumina
Classification: Uncertain significance for Imerslund-Grasbeck syndrome type 1. Last evaluated: 2018-01-13. Review status: criteria provided, single submitter. Criteria: ICSL Variant Classification Criteria 13 December 2019. Collection method: clinical testing. Allele origin: germline.

NM_001081.4(CUBN):c.6277G>A (p.Gly2093Ser)

Gene: CUBN (cubilin; minus strand). Cytogenetic location: 10p13.
Variant type: single nucleotide variant.
Coding change: c.6277G>A on transcript NM_001081.4 (MANE Select); coding-DNA position 6277, G replaced by A.
Protein change: p.Gly2093Ser; replaces glycine 2093 with serine.
Molecular consequence: missense variant.
Genome position (GRCh38, 1-based): chr10:16,925,769, C>T on the plus strand (G>A on the coding strand, the complement: CUBN is on the minus strand). VCF-style: chr10-16925769-C-T. GRCh37 (hg19) VCF-style: chr10-16967768-C-T.
Other names: short protein forms G2093S.
Identifiers: ClinVar variation 299440 (VCV000299440.9), dbSNP rs759351780, ClinGen allele CA5423723.